The following is an entry in ClinVar:

ClinVar aggregate classification (germline): Uncertain significance (1 of 4 stars; one submission).

Conditions:
Hereditary spastic paraplegia 6 (SPG6). Also called: SPASTIC PARAPLEGIA 6, AUTOSOMAL DOMINANT. Identifiers: Orphanet 100988, MedGen C1838192, MONDO:0010878, OMIM 600363.

Submission:

Labcorp Genetics (formerly Invitae), Labcorp
Classification: Uncertain significance for Hereditary spastic paraplegia 6. Last evaluated: 2025-10-01. Review status: criteria provided, single submitter. Criteria: Invitae Variant Classification Sherloc (09022015). Collection method: clinical testing. Allele origin: germline.
Comment: This sequence change replaces alanine, which is neutral and non-polar, with proline, which is neutral and non-polar, at codon 12 of the NIPA1 protein (p.Ala12Pro). This variant is not present in population databases (gnomAD no frequency). This variant has not been reported in the literature in individuals affected with NIPA1-related conditions. Experimental studies and prediction algorithms are not available or were not evaluated, and the functional significance of this variant is currently unknown. In summary, the available evidence is currently insufficient to determine the role of this variant in disease. Therefore, it has been classified as a Variant of Uncertain Significance.

NM_144599.5(NIPA1):c.34G>C (p.Ala12Pro)

Genes: NIPA1 (NIPA magnesium transporter 1; plus strand), LOC130056709 (ATAC-STARR-seq lymphoblastoid silent region 6259; plus strand). Cytogenetic location: 15q11.2.
Variant type: single nucleotide variant.
Coding change: c.34G>C on transcript NM_144599.5 (MANE Select); coding-DNA position 34, G replaced by C.
Protein change: p.Ala12Pro; replaces alanine 12 with proline.
Molecular consequence: missense variant. On other transcripts: intron variant (1).
Genome position (GRCh38, 1-based): chr15:22,786,690, G>C. VCF-style: chr15-22786690-G-C. GRCh37 (hg19) VCF-style: chr15-23086378-C-G.
Other names: c.-48+442G>C (NM_001142275.1); short protein forms A12P.
Identifiers: ClinVar variation 4752967 (VCV004752967.1).
Genomic context (GRCh38, chr15:22,786,690, plus strand): 5'-CAGGCTCGGAGGGCGGGCGCGGGCGGAATGGGGACTGCAGCTGCGGCAGCGGCGGCGGCG[G>C]CGGCGGCGGCGGCCGGGGAGGGGGCGCGTAGCCCGAGCCCCGCCGCCGTGTCGCTCGGCC-3'
Protein context (NP_653200.2, residues 2-22): GTAAAAAAAA[Ala12Pro]AAAAGEGARS